The following is an entry in ClinVar:

ClinVar aggregate classification (germline): Uncertain significance (1 of 4 stars; one submission).

Conditions:
Long QT syndrome (LQTS). Identifiers: MedGen C0023976, MeSH D008133, MONDO:0002442. Disease mechanism: loss of function. Inheritance: Various modes of inheritance.

gnomAD v4.1: 2 of 1,586,774 alleles (0.00013%); highest among the groups gnomAD compares: African/African-American, 0.0027%; no homozygotes.

Submission:

Labcorp Genetics (formerly Invitae), Labcorp
Classification: Uncertain significance for Long QT syndrome. Last evaluated: 2025-11-30. Review status: criteria provided, single submitter. Criteria: Invitae Variant Classification Sherloc (09022015). Collection method: clinical testing. Allele origin: germline.
Comment: This sequence change replaces leucine, which is neutral and non-polar, with proline, which is neutral and non-polar, at codon 1150 of the KCNH2 protein (p.Leu1150Pro). This variant is present in population databases (no rsID available, gnomAD 0.01%). This variant has not been reported in the literature in individuals affected with KCNH2-related conditions. An algorithm developed to predict the effect of missense changes on protein structure and function (PolyPhen-2) suggests that this variant is likely to be disruptive. In summary, the available evidence is currently insufficient to determine the role of this variant in disease. Therefore, it has been classified as a Variant of Uncertain Significance.

NM_000238.4(KCNH2):c.3449T>C (p.Leu1150Pro)

Gene: KCNH2 (potassium voltage-gated channel subfamily H member 2; minus strand). Cytogenetic location: 7q36.1.
Variant type: single nucleotide variant.
Coding change: c.3449T>C on transcript NM_000238.4 (MANE Select); coding-DNA position 3449, T replaced by C.
Protein change: p.Leu1150Pro; replaces leucine 1150 with proline.
Molecular consequence: missense variant. On other transcripts: non-coding transcript variant (2).
Genome position (GRCh38, 1-based): chr7:150,945,396, A>G on the plus strand (T>C on the coding strand, the complement: KCNH2 is on the minus strand). VCF-style: chr7-150945396-A-G. GRCh37 (hg19) VCF-style: chr7-150642484-A-G.
Other names: c.3161T>C, p.Leu1054Pro (NM_001406753.1); c.2429T>C, p.Leu810Pro (NM_172057.3); short protein forms L1054P, L1150P, L810P.
Identifiers: ClinVar variation 4702131 (VCV004702131.1).